The following is an entry in ClinVar:

ClinVar aggregate classification (germline): Benign (1 of 4 stars; one submission).

Conditions:
Hennekam lymphangiectasia-lymphedema syndrome 1 (HKLLS1). Also called: LYMPHATIC DYSPLASIA, GENERALIZED. Identifiers: Orphanet 2136, MedGen C4012050, MONDO:0009337, OMIM 235510.

Allele frequency attached by ClinVar (database versions not stated): gnomAD 0.00008 and 0.00154; TOPMed 0.00036; 1000 Genomes Project 30x 0.00734; 1000 Genomes Project 0.00799.

Submission:

Illumina Laboratory Services, Illumina
Classification: Benign for Hennekam lymphangiectasia-lymphedema syndrome 1. Last evaluated: 2018-01-13. Review status: criteria provided, single submitter. Criteria: ICSL Variant Classification Criteria 13 December 2019. Collection method: clinical testing. Allele origin: germline.
Comment: This variant was observed in the ICSL laboratory as part of a predisposition screen in an ostensibly healthy population. It had not been previously curated by ICSL or reported in the Human Gene Mutation Database (HGMD: prior to June 1st, 2018), and was therefore a candidate for classification through an automated scoring system. Utilizing variant allele frequency, disease prevalence and penetrance estimates, and inheritance mode, an automated score was calculated to assess if this variant is too frequent to cause the disease. Based on the score and internal cut-off values, a variant classified as benign is not then subjected to further curation. The score for this variant resulted in a classification of benign for this disease.

NM_133459.4(CCBE1):c.*2787T>C

Gene: CCBE1 (collagen and calcium binding EGF domains 1; minus strand). Cytogenetic location: 18q21.32.
Variant type: single nucleotide variant.
Coding change: c.*2787T>C on transcript NM_133459.4 (MANE Select); 2787 bases downstream of the stop codon, T replaced by C.
Molecular consequence: 3 prime UTR variant.
Genome position (GRCh38, 1-based): chr18:59,433,121, A>G on the plus strand (T>C on the coding strand, the complement: CCBE1 is on the minus strand). VCF-style: chr18-59433121-A-G. GRCh37 (hg19) VCF-style: chr18-57100353-A-G.
Other names: c.*2787T>C (LRG_1209t1).
Identifiers: ClinVar variation 327630 (VCV000327630.5), dbSNP rs538634534, ClinGen allele CA10641959.